The following is an entry in ClinVar:

NM_144687.4(NLRP12):c.383C>T (p.Thr128Ile)

Gene: NLRP12 (NLR family pyrin domain containing 12; minus strand). Cytogenetic location: 19q13.42.
Variant type: single nucleotide variant.
Coding change: c.383C>T on transcript NM_144687.4 (MANE Select); coding-DNA position 383, C replaced by T.
Protein change: p.Thr128Ile; replaces threonine 128 with isoleucine.
Molecular consequence: missense variant.
Genome position (GRCh38, 1-based): chr19:53,811,276, G>A on the plus strand (C>T on the coding strand, the complement: NLRP12 is on the minus strand). VCF-style: chr19-53811276-G-A. GRCh37 (hg19) VCF-style: chr19-54314530-G-A.
Other names: c.383C>T, p.Thr128Ile (NM_001277126.2, NM_001277129.1); short protein forms T128I.
Identifiers: ClinVar variation 2581022 (VCV002581022.1), dbSNP rs1352321453, ClinGen allele CA407417178.
Genomic context (GRCh38, chr19:53,811,276, plus strand): 5'-CCTAGGCGCGCATTGCGGTCTTCCATGAGCCGGAATTTCCTGCGGACATAGTCCCTGTAG[G>A]TTTCCTGGGGATCTAGGGGAGAGGAATGAAGGTTTTGTGGAAGACTCATCAGCAGCCTCT-3'
Protein context (NP_653288.1, residues 118-138): LVTPRKDPQE[Thr128Ile]YRDYVRRKFR

ClinVar aggregate classification (germline): Uncertain significance (1 of 4 stars; one submission).

Conditions:
Familial cold autoinflammatory syndrome 2 (FCAS2). Identifiers: Orphanet 247868, MedGen C2673198, MONDO:0012724, OMIM 611762.

Allele frequency attached by ClinVar (database versions not stated): TOPMed below 0.00001; gnomAD 0.00001.
gnomAD v4.1: 1 of 1,613,774 alleles (0.000062%); highest among the groups gnomAD compares: Non-Finnish European, 0.000085%; no homozygotes.

Submission:

Dr. med. U. Finckh, Human Genetics, Eurofins MVZ
Classification: Uncertain significance for Familial cold autoinflammatory syndrome 2. Last evaluated: 2021-07-19. Review status: criteria provided, single submitter. Criteria: ACMG Guidelines, 2015. Collection method: clinical testing. Allele origin: unknown. Observed: 1 heterozygote.